The following is an entry in ClinVar:

ClinVar aggregate classification (germline): Uncertain significance. Review status: criteria provided, multiple submitters, no conflicts (2 of 4 stars). 2 submissions from 2 submitters: Uncertain significance (2). Last evaluated 2026-05-15.

Submissions (2):

Women's Health and Genetics/Laboratory Corporation of America, LabCorp
Classification: Uncertain significance. Last evaluated: 2026-05-15. Review status: criteria provided, single submitter. Criteria: LabCorp Variant Classification Summary - May 2015. Collection method: clinical testing. Allele origin: germline.
Comment: Variant summary: PKD1 c.158G>C (p.Gly53Ala) results in a non-conservative amino acid change in the encoded protein sequence. Algorithms developed to predict the effect of missense changes on protein structure and function are either unavailable or do not agree on the potential impact of this missense change. The frequency data for this variant in gnomAD is considered unreliable, as metrics indicate poor data quality at this position. To our knowledge, no occurrence of c.158G>C in individuals affected with PKD1-related conditions and no experimental evidence demonstrating its impact on protein function have been reported. ClinVar contains an entry for this variant (Variation ID: 1706297). Based on the evidence outlined above, the variant was classified as uncertain significance.

GeneDx
Classification: Uncertain significance. Last evaluated: 2022-03-15. Review status: criteria provided, single submitter. Criteria: GeneDx Variant Classification Process June 2021. Collection method: clinical testing. Allele origin: germline. Affected: yes.
Comment: Not observed at significant frequency in large population cohorts (gnomAD); In silico analysis supports that this missense variant does not alter protein structure/function; Has not been previously published as pathogenic or benign to our knowledge

NM_001009944.3(PKD1):c.158G>C (p.Gly53Ala)

Gene: PKD1 (polycystin 1, transient receptor potential channel interacting; minus strand). Cytogenetic location: 16p13.3.
Variant type: single nucleotide variant.
Coding change: c.158G>C on transcript NM_001009944.3 (MANE Select); coding-DNA position 158, G replaced by C.
Protein change: p.Gly53Ala; replaces glycine 53 with alanine.
Molecular consequence: missense variant.
Genome position (GRCh38, 1-based): chr16:2,135,532, C>G on the plus strand (G>C on the coding strand, the complement: PKD1 is on the minus strand). VCF-style: chr16-2135532-C-G. GRCh37 (hg19) VCF-style: chr16-2185533-C-G.
Other names: c.158G>C, p.Gly53Ala (NM_000296.4); short protein forms G53A.
Identifiers: ClinVar variation 1706297 (VCV001706297.3), dbSNP rs2544960223, ClinGen allele CA394282380.